The following is an entry in ClinVar:

ClinVar aggregate classification (germline): Uncertain significance. Review status: criteria provided, multiple submitters, no conflicts (2 of 4 stars). 4 submissions from 4 submitters: Uncertain significance (4). Last evaluated 2025-04-02.

Conditions:
Congenital myasthenic syndrome 4A. Also called: Myasthenic syndrome, congenital, 4a, slow-channel; CONGENITAL MYASTHENIC SYNDROME TYPE Ia1; MYASTHENIC SYNDROME, CONGENITAL, 4A, SLOW-CHANNEL, AUTOSOMAL RECESSIVE. Identifiers: Orphanet 590, MedGen C4225413, MONDO:0011600, OMIM 605809.
Inborn genetic diseases. Identifiers: MedGen C0950123, MeSH D030342.

Allele frequency attached by ClinVar (database versions not stated): gnomAD 0.00001; ExAC 0.00002; TOPMed 0.00002; ESP Exome Variant Server 0.00008; gnomAD exomes 0.00008.
gnomAD v4.1: 130 of 1,613,942 alleles (0.0081%); highest among the groups gnomAD compares: Non-Finnish European, 0.01%; no homozygotes.

Submissions (4):

Labcorp Genetics (formerly Invitae), Labcorp
Classification: Uncertain significance for Congenital myasthenic syndrome 4A. Last evaluated: 2025-04-02. Review status: criteria provided, single submitter. Criteria: Invitae Variant Classification Sherloc (09022015). Collection method: clinical testing. Allele origin: germline.
Comment: This sequence change replaces leucine, which is neutral and non-polar, with phenylalanine, which is neutral and non-polar, at codon 60 of the CHRNE protein (p.Leu60Phe). This variant is present in population databases (rs370840663, gnomAD 0.006%). This variant has not been reported in the literature in individuals affected with CHRNE-related conditions. ClinVar contains an entry for this variant (Variation ID: 2041341). Invitae Evidence Modeling of protein sequence and biophysical properties (such as structural, functional, and spatial information, amino acid conservation, physicochemical variation, residue mobility, and thermodynamic stability) has been performed for this missense variant. However, the output from this modeling did not meet the statistical confidence thresholds required to predict the impact of this variant on CHRNE protein function. In summary, the available evidence is currently insufficient to determine the role of this variant in disease. Therefore, it has been classified as a Variant of Uncertain Significance.

Ambry Genetics
Classification: Uncertain significance for Inborn genetic diseases. Last evaluated: 2025-03-26. Review status: criteria provided, single submitter. Criteria: Ambry Variant Classification Scheme 2023. Collection method: clinical testing. Allele origin: germline.

Blueprint Genetics
Classification: Uncertain significance. Last evaluated: 2024-03-28. Review status: criteria provided, single submitter. Criteria: ACMG Guidelines, 2015. Collection method: clinical testing. Allele origin: germline.

Revvity Omics, Revvity
Classification: Uncertain significance. Last evaluated: 2019-09-20. Review status: criteria provided, single submitter. Criteria: ACMG Guidelines, 2015. Collection method: clinical testing. Allele origin: germline.

NM_000080.4(CHRNE):c.178C>T (p.Leu60Phe)

Genes: C17orf107 (chromosome 17 open reading frame 107; plus strand), CHRNE (cholinergic receptor nicotinic epsilon subunit; minus strand). Cytogenetic location: 17p13.2.
Variant type: single nucleotide variant.
Coding change: c.178C>T on transcript NM_000080.4 (MANE Select); coding-DNA position 178, C replaced by T.
Protein change: p.Leu60Phe; replaces leucine 60 with phenylalanine.
Molecular consequence: missense variant. On other transcripts: 3 prime UTR variant (1).
Genome position (GRCh38, 1-based): chr17:4,902,632, G>A on the plus strand (C>T on the coding strand, the complement: CHRNE is on the minus strand). VCF-style: chr17-4902632-G-A. GRCh37 (hg19) VCF-style: chr17-4805927-G-A.
Other names: c.*2099G>A (NM_001145536.2); short protein forms L60F.
Identifiers: ClinVar variation 2041341 (VCV002041341.8), dbSNP rs370840663, ClinGen allele CA8314592.
Genomic context (GRCh38, chr17:4,902,632, plus strand): 5'-GGGCCAGAAGTGGGATTTTTGGCTTAAGATGAGGGTGGGGGTAGCTTACCAGTGAGATGA[G>A]ATTCGTCAGGGTGACCTTGAGGCTGATGGTGACAGTATCCTCAGGCTCCCGCACTGGCCG-3'
Protein context (NP_000071.1, residues 50-70): TISLKVTLTN[Leu60Phe]ISLNEKEETL